The following is an entry in ClinVar:

NM_001365276.2(TNXB):c.3583G>T (p.Asp1195Tyr)

Gene: TNXB (tenascin XB; minus strand). Cytogenetic location: 6p21.33.
Variant type: single nucleotide variant.
Coding change: c.3583G>T on transcript NM_001365276.2 (MANE Select); coding-DNA position 3583, G replaced by T.
Protein change: p.Asp1195Tyr; replaces aspartic acid 1195 with tyrosine.
Molecular consequence: missense variant.
Genome position (GRCh38, 1-based): chr6:32,082,189, C>A on the plus strand (G>T on the coding strand, the complement: TNXB is on the minus strand). VCF-style: chr6-32082189-C-A. GRCh37 (hg19) VCF-style: chr6-32049966-C-A.
Other names: c.3583G>T, p.Asp1195Tyr (NM_019105.8); short protein forms D1195Y.
Identifiers: ClinVar variation 1732919 (VCV001732919.4), dbSNP rs981886961, ClinGen allele CA136896824.

ClinVar aggregate classification (germline): Uncertain significance. Review status: criteria provided, multiple submitters, no conflicts (2 of 4 stars). 2 submissions from 2 submitters: Uncertain significance (2). Last evaluated 2024-08-31.

Conditions:
Cardiovascular phenotype. Identifiers: MedGen CN230736.

gnomAD v4.1: 21 of 1,612,724 alleles (0.0013%); highest among the groups gnomAD compares: Non-Finnish European, 0.0017%; no homozygotes.

Submissions (2):

Ambry Genetics
Classification: Uncertain significance for Cardiovascular phenotype. Last evaluated: 2024-08-31. Review status: criteria provided, single submitter. Criteria: Ambry Variant Classification Scheme 2023. Collection method: clinical testing. Allele origin: germline.
Comment: The p.D1195Y variant (also known as c.3583G>T), located in coding exon 8 of the TNXB gene, results from a G to T substitution at nucleotide position 3583. The aspartic acid at codon 1195 is replaced by tyrosine, an amino acid with highly dissimilar properties. This amino acid position is highly conserved in available vertebrate species. In addition, this alteration is predicted to be tolerated by in silico analysis. Since supporting evidence is limited at this time, the clinical significance of this alteration remains unclear.

GeneDx
Classification: Uncertain significance. Last evaluated: 2022-11-01. Review status: criteria provided, single submitter. Criteria: GeneDx Variant Classification Process June 2021. Collection method: clinical testing. Allele origin: germline. Affected: yes.
Comment: Not observed at significant frequency in large population cohorts (gnomAD); In silico analysis suggests this variant may impact gene splicing. In the absence of RNA/functional studies, the actual effect of this sequence change is unknown.; In silico analysis supports that this missense variant has a deleterious effect on protein structure/function; Has not been previously published as pathogenic or benign to our knowledge